The following is an entry in ClinVar:

ClinVar aggregate classification (germline): Uncertain significance. Review status: criteria provided, multiple submitters, no conflicts (2 of 4 stars). 2 submissions from 2 submitters: Uncertain significance (2). Last evaluated 2024-07-17.

Conditions:
Progressive myoclonic epilepsy type 8. Identifiers: Orphanet 424027, MedGen C5190825, MONDO:0014545, OMIM 616230.

gnomAD v4.1: 56 of 1,554,590 alleles (0.0036%); highest among the groups gnomAD compares: Middle Eastern, 0.018%; no homozygotes.

Submissions (2):

Blueprint Genetics
Classification: Uncertain significance. Last evaluated: 2024-07-17. Review status: criteria provided, single submitter. Criteria: ACMG Guidelines, 2015. Collection method: clinical testing. Allele origin: germline.

Labcorp Genetics (formerly Invitae), Labcorp
Classification: Uncertain significance for Progressive myoclonic epilepsy type 8. Last evaluated: 2022-07-05. Review status: criteria provided, single submitter. Criteria: Invitae Variant Classification Sherloc (09022015). Collection method: clinical testing. Allele origin: germline.
Comment: This sequence change replaces arginine, which is basic and polar, with glycine, which is neutral and non-polar, at codon 234 of the CERS1 protein (p.Arg234Gly). This variant is present in population databases (rs767727206, gnomAD 0.008%). This variant has not been reported in the literature in individuals affected with CERS1-related conditions. ClinVar contains an entry for this variant (Variation ID: 1371651). Algorithms developed to predict the effect of missense changes on protein structure and function (SIFT, PolyPhen-2, Align-GVGD) all suggest that this variant is likely to be tolerated. In summary, the available evidence is currently insufficient to determine the role of this variant in disease. Therefore, it has been classified as a Variant of Uncertain Significance.

NM_021267.5(CERS1):c.700C>G (p.Arg234Gly)

Genes: CERS1 (ceramide synthase 1; minus strand), GDF1 (growth differentiation factor 1; minus strand). Cytogenetic location: 19p13.11.
Variant type: single nucleotide variant.
Coding change: c.700C>G on transcript NM_021267.5 (MANE Select); coding-DNA position 700, C replaced by G.
Protein change: p.Arg234Gly; replaces arginine 234 with glycine.
Molecular consequence: missense variant. On other transcripts: 5 prime UTR variant (1), intron variant (1).
Genome position (GRCh38, 1-based): chr19:18,880,326, G>C on the plus strand (C>G on the coding strand, the complement: CERS1 is on the minus strand). VCF-style: chr19-18880326-G-C. GRCh37 (hg19) VCF-style: chr19-18991135-G-C.
Other names: c.406C>G, p.Arg136Gly (NM_001290265.2, NM_001387442.1, NM_001387443.1 and 2 more transcripts); c.700C>G, p.Arg234Gly (NM_001387439.1, NM_001387440.1, NM_198207.3); c.655C>G, p.Arg219Gly (NM_001387441.1); c.-623C>G (NM_001492.6); c.-313+3761C>G (NM_001387438.1); short protein forms R219G, R234G, R136G.
Identifiers: ClinVar variation 1371651 (VCV001371651.4), dbSNP rs767727206, ClinGen allele CA9318176.